The following is an entry in ClinVar:

ClinVar aggregate classification (germline): Uncertain significance. Review status: criteria provided, multiple submitters, no conflicts (2 of 4 stars). 3 submissions from 3 submitters: Uncertain significance (3). Last evaluated 2026-01-15.

Conditions:
Hereditary cancer-predisposing syndrome. Also called: Hereditary neoplastic syndrome; Tumor predisposition; Neoplastic Syndromes, Hereditary; Hereditary Cancer Syndrome. Identifiers: Orphanet 140162, MedGen C0027672, MeSH D009386, MONDO:0015356.
POLD1-related polyposis and colorectal cancer syndrome (CRCS10). Also called: Colorectal cancer 10; COLORECTAL CANCER, SUSCEPTIBILITY TO, ON CHROMOSOME 19q; Colorectal cancer, susceptibility to, 10. Identifiers: Orphanet 220460, MedGen C2675481, MONDO:0012953, OMIM 612591.

gnomAD v4.1: 26 of 1,597,058 alleles (0.0016%); highest among the groups gnomAD compares: Non-Finnish European, 0.00017%; no homozygotes.

Submissions (3):

Ambry Genetics
Classification: Uncertain significance for Hereditary cancer-predisposing syndrome. Last evaluated: 2026-01-15. Review status: criteria provided, single submitter. Criteria: Ambry Variant Classification Scheme 2023. Collection method: clinical testing. Allele origin: germline.
Comment: The p.R211P variant (also known as c.632G>C), located in coding exon 5 of the POLD1 gene, results from a G to C substitution at nucleotide position 632. The arginine at codon 211 is replaced by proline, an amino acid with dissimilar properties. This amino acid position is well conserved in available vertebrate species. In addition, the in silico prediction for this alteration is inconclusive. Based on the available evidence, the clinical significance of this variant remains unclear.

Labcorp Genetics (formerly Invitae), Labcorp
Classification: Uncertain significance for POLD1-related polyposis and colorectal cancer syndrome. Last evaluated: 2024-11-06. Review status: criteria provided, single submitter. Criteria: Invitae Variant Classification Sherloc (09022015). Collection method: clinical testing. Allele origin: germline.
Comment: This sequence change replaces arginine, which is basic and polar, with proline, which is neutral and non-polar, at codon 211 of the POLD1 protein (p.Arg211Pro). This variant is present in population databases (rs373192520, gnomAD 0.05%). This variant has not been reported in the literature in individuals affected with POLD1-related conditions. ClinVar contains an entry for this variant (Variation ID: 953892). Invitae Evidence Modeling of protein sequence and biophysical properties (such as structural, functional, and spatial information, amino acid conservation, physicochemical variation, residue mobility, and thermodynamic stability) has been performed for this missense variant. However, the output from this modeling did not meet the statistical confidence thresholds required to predict the impact of this variant on POLD1 protein function. In summary, the available evidence is currently insufficient to determine the role of this variant in disease. Therefore, it has been classified as a Variant of Uncertain Significance.

GeneDx
Classification: Uncertain significance. Last evaluated: 2022-07-08. Review status: criteria provided, single submitter. Criteria: GeneDx Variant Classification Process June 2021. Collection method: clinical testing. Allele origin: germline. Affected: yes.
Comment: In silico analysis supports that this missense variant has a deleterious effect on protein structure/function; Has not been previously published as pathogenic or benign to our knowledge

NM_002691.4(POLD1):c.632G>C (p.Arg211Pro)

Gene: POLD1 (DNA polymerase delta 1, catalytic subunit; plus strand). Cytogenetic location: 19q13.33.
Variant type: single nucleotide variant.
Coding change: c.632G>C on transcript NM_002691.4 (MANE Select); coding-DNA position 632, G replaced by C.
Protein change: p.Arg211Pro; replaces arginine 211 with proline.
Molecular consequence: missense variant. On other transcripts: non-coding transcript variant (1).
Genome position (GRCh38, 1-based): chr19:50,402,247, G>C. VCF-style: chr19-50402247-G-C. GRCh37 (hg19) VCF-style: chr19-50905504-G-C.
Other names: c.632G>C, p.Arg211Pro (NM_001256849.1, NM_001308632.1); c.632G>C (NM_002691.2); short protein forms R211P.
Identifiers: ClinVar variation 953892 (VCV000953892.9), dbSNP rs373192520, ClinGen allele CA9595843.